The following is an entry in ClinVar:

NM_013275.6(ANKRD11):c.5233_5234del (p.Ser1745fs)

Gene: ANKRD11 (ankyrin repeat domain 11; minus strand). Cytogenetic location: 16q24.3.
Variant type: Deletion.
Coding change: c.5233_5234del on transcript NM_013275.6 (MANE Select); coding-DNA positions 5233 to 5234, 2 bases deleted (TC; older notation c.5233_5234delTC).
Protein change: p.Ser1745fs; shifts the reading frame from serine 1745.
Molecular consequence: frameshift variant.
Genome position (GRCh38, 1-based): chr16:89,281,308-89,281,309, GA deleted on the plus strand (TC on the coding strand, the reverse complement: ANKRD11 is on the minus strand); deleting any 2 consecutive bases within chr16:89,281,308-89,281,310 gives the same sequence; the c. name uses the placement nearest the transcript's 3' end. VCF-style (leftmost placement, unchanged base first): chr16-89281307-GGA-G. GRCh37 (hg19) VCF-style: chr16-89347715-GGA-G.
Other names: c.5233_5234del, p.Ser1745fs (NM_001256182.2, NM_001256183.2); short protein forms S1745fs.
Identifiers: ClinVar variation 959511 (VCV000959511.9), dbSNP rs2034218920, ClinGen allele CA1139664919.

ClinVar aggregate classification (germline): Pathogenic. Review status: criteria provided, multiple submitters, no conflicts (2 of 4 stars). 2 submissions from 2 submitters: Pathogenic (2). Last evaluated 2020-08-27.

Conditions:
KBG syndrome (KBGS). Also called: ANKRD11-Related KBG Syndrome. Identifiers: Orphanet 2332, MedGen C0220687, MONDO:0007846, OMIM 148050.

Submissions (2):

Labcorp Genetics (formerly Invitae), Labcorp
Classification: Pathogenic for KBG syndrome. Last evaluated: 2020-08-27. Review status: criteria provided, single submitter. Criteria: Invitae Variant Classification Sherloc (09022015). Collection method: clinical testing. Allele origin: germline.
Comment: This sequence change creates a premature translational stop signal (p.Ser1745Hisfs*51) in the ANKRD11 gene. It is expected to result in an absent or disrupted protein product. This variant is not present in population databases (ExAC no frequency). This variant has not been reported in the literature in individuals with ANKRD11-related conditions. ClinVar contains an entry for this variant (Variation ID: 959511). Loss-of-function variants in ANKRD11 are known to be pathogenic (PMID: 21782149, 25125236, 25413698, 25652421). For these reasons, this variant has been classified as Pathogenic.

Genome Medicine, Institute for Basic Research in Developmental Disabilities
Classification: Pathogenic for KBG syndrome. Review status: criteria provided, single submitter. Criteria: ACMG Guidelines, 2015. Collection method: clinical testing. Allele origin: unknown. Affected: yes. Observed: 1 variant allele.

Literature cited by the submitters: PubMed 21782149 (cited by Labcorp Genetics (formerly Invitae), Labcorp); PubMed 25125236 (cited by Labcorp Genetics (formerly Invitae), Labcorp); PubMed 25413698 (cited by Labcorp Genetics (formerly Invitae), Labcorp); PubMed 25652421 (cited by Labcorp Genetics (formerly Invitae), Labcorp); PubMed 35970914 (cited by Genome Medicine, Institute for Basic Research in Developmental Disabilities).